The following is an entry in ClinVar:

NM_001009999.3(KDM1A):c.1346A>T (p.Asp449Val)

Gene: KDM1A (lysine demethylase 1A; plus strand). Cytogenetic location: 1p36.12.
Variant type: single nucleotide variant.
Coding change: c.1346A>T on transcript NM_001009999.3 (MANE Select); coding-DNA position 1346, A replaced by T.
Protein change: p.Asp449Val; replaces aspartic acid 449 with valine.
Molecular consequence: missense variant.
Genome position (GRCh38, 1-based): chr1:23,069,084, A>T. VCF-style: chr1-23069084-A-T. GRCh37 (hg19) VCF-style: chr1-23395577-A-T.
Other names: c.1274A>T, p.Asp425Val (NM_001363654.2, NM_001410763.1, NM_015013.4); c.1334A>T, p.Asp445Val (NM_001410762.1); short protein forms D425V, D445V, D449V.
Identifiers: ClinVar variation 4858747 (VCV004858747.1).
Genomic context (GRCh38, chr1:23,069,084, plus strand): 5'-GGCTTTGAGAGCAGATTATACATATTGTCTCTCTTAGGTTACAAGAGAAGCATGTCAAAG[A>T]TGAGCAGATTGAACATTGGAAGAAGATAGTGAAAACTCAGGAAGAATTGAAAGAACTTCT-3'
Protein context (NP_001009999.1, residues 439-459): VIQLQEKHVK[Asp449Val]EQIEHWKKIV

ClinVar aggregate classification (germline): Uncertain significance (1 of 4 stars; one submission).

Conditions:
Inborn genetic diseases. Identifiers: MedGen C0950123, MeSH D030342.

Submission:

Ambry Genetics
Classification: Uncertain significance for Inborn genetic diseases. Last evaluated: 2026-05-26. Review status: criteria provided, single submitter. Criteria: Ambry Variant Classification Scheme 2023. Collection method: clinical testing. Allele origin: germline.
Comment: The p.D449V variant (also known as c.1346A>T), located in coding exon 12 of the KDM1A gene, results from an A to T substitution at nucleotide position 1346. The aspartic acid at codon 449 is replaced by valine, an amino acid with highly dissimilar properties. This amino acid position is conserved. In addition, this alteration is predicted to be deleterious by in silico analysis. Based on the available evidence, the clinical significance of this variant remains unclear.